The following is an entry in ClinVar:

NM_001077415.3(CRELD1):c.1090GTG[1] (p.Val365del)

Gene: CRELD1 (CRELD disulfide isomerase 1; plus strand). Cytogenetic location: 3p25.3.
Variant type: Microsatellite.
Coding change: c.1090GTG[1] on transcript NM_001077415.3 (MANE Select); one copy of the 3-base unit GTG starting at c.1090; the reference has two copies in a row; one copy, 3 bases deleted.
Protein change: p.Val365del; deletes valine 365.
Molecular consequence: inframe deletion. On other transcripts: 3 prime UTR variant (3), non-coding transcript variant (3).
Genome position (GRCh38, 1-based): chr3:9,944,409-9,944,411, GTG deleted; deleting any 3 consecutive bases within chr3:9,944,404-9,944,411 gives the same sequence; the position shown is the placement nearest the transcript's 3' end. VCF-style (leftmost placement, unchanged base first): chr3-9944403-TTGG-T. GRCh37 (hg19) VCF-style: chr3-9986087-TTGG-T.
Other names: c.*15GTG[1] (NM_001031717.4, NM_001374317.1, NM_001374318.1); c.1090GTG[1], p.Val365del (NM_001374316.1, NM_015513.6); c.1006GTG[1], p.Val337del (NM_001374319.1, NM_001374320.1); short protein forms V337del, V365del.
Identifiers: ClinVar variation 1311085 (VCV001311085.3), dbSNP rs1448372441, ClinGen allele CA541213059.

ClinVar aggregate classification (germline): Uncertain significance (1 of 4 stars; one submission).

Submission:

GeneDx
Classification: Uncertain significance. Last evaluated: 2026-02-09. Review status: criteria provided, single submitter. Criteria: GeneDx Variant Classification Process June 2021. Collection method: clinical testing. Allele origin: germline. Affected: yes.
Comment: Not observed at significant frequency in large population cohorts (gnomAD); In-frame deletion of 1 amino acid(s) in a non-repeat region; In silico analysis suggests that this variant does not alter protein structure/function; Has not been previously published as pathogenic or benign to our knowledge